The following is an entry in ClinVar:

NM_015164.4(PLEKHM2):c.2651G>A (p.Ser884Asn)

Gene: PLEKHM2 (pleckstrin homology and RUN domain containing M2; plus strand). Cytogenetic location: 1p36.21.
Variant type: single nucleotide variant.
Coding change: c.2651G>A on transcript NM_015164.4 (MANE Select); coding-DNA position 2651, G replaced by A.
Protein change: p.Ser884Asn; replaces serine 884 with asparagine.
Molecular consequence: missense variant.
Genome position (GRCh38, 1-based): chr1:15,732,375, G>A. VCF-style: chr1-15732375-G-A. GRCh37 (hg19) VCF-style: chr1-16058870-G-A.
Other names: short protein forms S884N.
Identifiers: ClinVar variation 567754 (VCV000567754.9), dbSNP rs768068764, ClinGen allele CA617325.
Genomic context (GRCh38, chr1:15,732,375, plus strand): 5'-GGCCCCAGCCTGCCTCTCCCCTGCCCCGCTGCCAGGTCATCCCCCAGGGCGTAGCTCCCA[G>A]CCCCTGCATACCCTGCTGCCTGGTCCTCACGGATGACCGCCTCTTTACGTGCCATGAGGA-3'
Protein context (NP_055979.2, residues 874-894): KGVIPQGVAP[Ser884Asn]PCIPCCLVLT

ClinVar aggregate classification (germline): Uncertain significance. Review status: criteria provided, multiple submitters, no conflicts (2 of 4 stars). 2 submissions from 2 submitters: Uncertain significance (2). Last evaluated 2025-08-07.

Allele frequency attached by ClinVar (database versions not stated): ExAC below 0.00001; gnomAD exomes 0.00001; gnomAD 0.00003 and 0.00004; TOPMed 0.00004.
gnomAD v4.1: 27 of 1,557,302 alleles (0.0017%); highest among the groups gnomAD compares: Middle Eastern, 0.033%; no homozygotes.

Submissions (2):

Ambry Genetics
Classification: Uncertain significance. Last evaluated: 2025-08-07. Review status: criteria provided, single submitter. Criteria: Ambry Variant Classification Scheme 2023. Collection method: clinical testing. Allele origin: germline.

Labcorp Genetics (formerly Invitae), Labcorp
Classification: Uncertain significance. Last evaluated: 2025-03-17. Review status: criteria provided, single submitter. Criteria: Invitae Variant Classification Sherloc (09022015). Collection method: clinical testing. Allele origin: germline.
Comment: This sequence change replaces serine, which is neutral and polar, with asparagine, which is neutral and polar, at codon 884 of the PLEKHM2 protein (p.Ser884Asn). This variant is present in population databases (rs768068764, gnomAD 0.006%). This variant has not been reported in the literature in individuals affected with PLEKHM2-related conditions. ClinVar contains an entry for this variant (Variation ID: 567754). An algorithm developed to predict the effect of missense changes on protein structure and function (PolyPhen-2) suggests that this variant is likely to be tolerated. In summary, the available evidence is currently insufficient to determine the role of this variant in disease. Therefore, it has been classified as a Variant of Uncertain Significance.